The following is an entry in ClinVar:

ClinVar aggregate classification (germline): not provided (0 of 4 stars; one submission).

Allele frequency attached by ClinVar (database versions not stated): gnomAD 0.00061 and 0.00060; 1000 Genomes Project 0.00100; TOPMed 0.00059; 1000 Genomes Project 30x 0.00125; gnomAD exomes 0.00006.
gnomAD v4.1: 119 of 593,372 alleles (0.02%); highest among the groups gnomAD compares: African/African-American, 0.21%; 1 homozygote.

Submission:

Human Evolutionary Genetics, Institut Pasteur
No classification provided. Review status: no classification provided. Collection method: not provided. Allele origin: germline.
ClinVar note: Converted during submission from untested to not provided.

NM_001199138.2(NLRC4):c.2521+132A>T

Gene: NLRC4 (NLR family CARD domain containing 4; minus strand). Cytogenetic location: 2p22.3.
Variant type: single nucleotide variant.
Coding change: c.2521+132A>T on transcript NM_001199138.2 (MANE Select); 132 bases into the intron after coding-DNA position 2521, A replaced by T.
Molecular consequence: intron variant.
Genome position (GRCh38, 1-based): chr2:32,238,000, T>A on the plus strand (A>T on the coding strand, the complement: NLRC4 is on the minus strand). VCF-style: chr2-32238000-T-A. GRCh37 (hg19) VCF-style: chr2-32463069-T-A.
Other names: c.526+132A>T (NM_001302504.1); c.2521+132A>T (NM_021209.4, NM_001199139.1).
Identifiers: ClinVar variation 103079 (VCV000103079.2), dbSNP rs199476295, ClinGen allele CA230088.